The following is an entry in ClinVar:

NM_001035.3(RYR2):c.8942A>G (p.Tyr2981Cys)

Gene: RYR2 (ryanodine receptor 2; plus strand). Cytogenetic location: 1q43.
Variant type: single nucleotide variant.
Coding change: c.8942A>G on transcript NM_001035.3 (MANE Select); coding-DNA position 8942, A replaced by G.
Protein change: p.Tyr2981Cys; replaces tyrosine 2981 with cysteine.
Molecular consequence: missense variant.
Genome position (GRCh38, 1-based): chr1:237,680,502, A>G. VCF-style: chr1-237680502-A-G. GRCh37 (hg19) VCF-style: chr1-237843802-A-G.
Other names: short protein forms Y2981C.
Identifiers: ClinVar variation 3668058 (VCV003668058.2).
Genomic context (GRCh38, chr1:237,680,502, plus strand): 5'-TTCCTTTCTTTCAGGTCGTTCTTCCTTTAATTGATCAGTATTTCAAAAACCATCGTTTAT[A>G]CTTCTTATCTGCAGCAAGCAGACCTCTCTGCTCTGGAGGACATGCTTCCAACAAAGAGAA-3'
Protein context (NP_001026.2, residues 2971-2991): IDQYFKNHRL[Tyr2981Cys]FLSAASRPLC

ClinVar aggregate classification (germline): Uncertain significance (1 of 4 stars; one submission).

Conditions:
Catecholaminergic polymorphic ventricular tachycardia 1. Also called: VENTRICULAR TACHYCARDIA, CATECHOLAMINERGIC POLYMORPHIC, 1, WITH OR WITHOUT ATRIAL DYSFUNCTION AND/OR DILATED CARDIOMYOPATHY; VENTRICULAR TACHYCARDIA, STRESS-INDUCED POLYMORPHIC 1; RYR2-Related Catecholaminergic Polymorphic Ventricular Tachycardia. Identifiers: Orphanet 3286, MedGen C1631597, MONDO:0011484, OMIM 604772.

Submission:

Labcorp Genetics (formerly Invitae), Labcorp
Classification: Uncertain significance for Catecholaminergic polymorphic ventricular tachycardia 1. Last evaluated: 2024-03-01. Review status: criteria provided, single submitter. Criteria: Invitae Variant Classification Sherloc (09022015). Collection method: clinical testing. Allele origin: germline.
Comment: This sequence change replaces tyrosine, which is neutral and polar, with cysteine, which is neutral and slightly polar, at codon 2981 of the RYR2 protein (p.Tyr2981Cys). This variant is not present in population databases (gnomAD no frequency). This variant has not been reported in the literature in individuals affected with RYR2-related conditions. Advanced modeling of protein sequence and biophysical properties (such as structural, functional, and spatial information, amino acid conservation, physicochemical variation, residue mobility, and thermodynamic stability) performed at Invitae indicates that this missense variant is expected to disrupt RYR2 protein function with a positive predictive value of 95%. In summary, the available evidence is currently insufficient to determine the role of this variant in disease. Therefore, it has been classified as a Variant of Uncertain Significance.